The following is an entry in ClinVar:

ClinVar aggregate classification (germline): Pathogenic (1 of 4 stars; one submission).

Submission:

Medical Genetic Center, Changzhi Maternal and Child Health Care Hospital
Classification: Pathogenic. Last evaluated: 2025-12-10. Review status: criteria provided, single submitter. Criteria: ACMG/ClinGen CNV Guidelines, 2019. Collection method: clinical testing. Allele origin: unknown.
Comment: 2A:15q11.2 recurrent region (BP1-BP2) (includes NIPA1)

GRCh38/hg38 15q11.2(chr15:22582283-23370622)x1

Genes: CYFIP1 (cytoplasmic FMR1 interacting protein 1; minus strand), GOLGA6L1 (golgin A6 family like 1; minus strand), GOLGA6L26 (golgin A6 family like 26; minus strand), GOLGA8S (golgin A8 family member S; plus strand), MIR4509-1 (microRNA 4509-1; plus strand) and 20 more. Cytogenetic location: 15q11.2.
Variant type: copy number loss.
Change: copy number 1 (one copy instead of two) of chr15:22,582,283-23,370,622 (788.3 kb, GRCh38 coordinates, 1-based), cytogenetic band 15q11.2.
Identifiers: ClinVar variation 4796221 (VCV004796221.1).